The following is an entry in ClinVar:

ClinVar aggregate classification (germline): Uncertain significance. Review status: criteria provided, multiple submitters, no conflicts (2 of 4 stars). 5 submissions from 5 submitters: Uncertain significance (4). 1 of the submissions does not count toward it. Last evaluated 2026-01-01.

Conditions:
EVC2-related disorder. Also called: EVC2-related condition.
Inborn genetic diseases. Identifiers: MedGen C0950123, MeSH D030342.
Ellis-van Creveld syndrome (EVC). Also called: MESOECTODERMAL DYSPLASIA; Chondroectodermal dysplasia. Identifiers: Orphanet 289, MedGen C0013903, MONDO:0009162, OMIM 225500.
Curry-Hall syndrome (WAD). Also called: WEYERS ACRODENTAL DYSOSTOSIS. Identifiers: Orphanet 952, MedGen C0457013, MONDO:0008673, OMIM 193530.

Allele frequency attached by ClinVar (database versions not stated): ExAC 0.00002; gnomAD 0.00004 and 0.00005; gnomAD exomes 0.00006 and 0.00007; TOPMed 0.00006; ESP Exome Variant Server 0.00015.
gnomAD v4.1: 112 of 1,614,170 alleles (0.0069%); highest among the groups gnomAD compares: Middle Eastern, 0.016%; 1 homozygote.

Submissions (5):

CeGaT Center for Human Genetics Tuebingen
Classification: Uncertain significance. Last evaluated: 2026-01-01. Review status: criteria provided, single submitter. Criteria: CeGaT Center For Human Genetics Tuebingen Variant Classification Criteria Version 2. Collection method: clinical testing. Allele origin: germline. Affected: yes. Observed: 1 variant allele.

Labcorp Genetics (formerly Invitae), Labcorp
Classification: Uncertain significance for Curry-Hall syndrome; Ellis-van Creveld syndrome. Last evaluated: 2024-12-30. Review status: criteria provided, single submitter. Criteria: Invitae Variant Classification Sherloc (09022015). Collection method: clinical testing. Allele origin: germline.
Comment: This sequence change replaces glycine, which is neutral and non-polar, with glutamic acid, which is acidic and polar, at codon 328 of the EVC2 protein (p.Gly328Glu). This variant is present in population databases (rs370838180, gnomAD 0.01%). This variant has not been reported in the literature in individuals affected with EVC2-related conditions. ClinVar contains an entry for this variant (Variation ID: 904088). An algorithm developed to predict the effect of missense changes on protein structure and function (PolyPhen-2) suggests that this variant is likely to be disruptive. In summary, the available evidence is currently insufficient to determine the role of this variant in disease. Therefore, it has been classified as a Variant of Uncertain Significance.

Ambry Genetics
Classification: Uncertain significance for Inborn genetic diseases. Last evaluated: 2021-08-13. Review status: criteria provided, single submitter. Criteria: Ambry Variant Classification Scheme 2023. Collection method: clinical testing. Allele origin: germline.

Illumina Laboratory Services, Illumina
Classification: Uncertain significance for Ellis-van Creveld syndrome. Last evaluated: 2018-01-12. Review status: criteria provided, single submitter. Criteria: ICSL Variant Classification Criteria 13 December 2019. Collection method: clinical testing. Allele origin: germline.

PreventionGenetics, part of Exact Sciences
Classification: Uncertain significance for EVC2-related condition. Last evaluated: 2024-02-21. Review status: no assertion criteria provided. Collection method: clinical testing. Allele origin: germline. Not counted in ClinVar's aggregate classification.
Comment: The EVC2 c.983G>A variant is predicted to result in the amino acid substitution p.Gly328Glu. To our knowledge, this variant has not been reported in the literature. This variant is reported in 0.010% of alleles in individuals of European (Non-Finnish) descent in gnomAD. At this time, the clinical significance of this variant is uncertain due to the absence of conclusive functional and genetic evidence.

NM_147127.5(EVC2):c.983G>A (p.Gly328Glu)

Genes: EVC2 (EvC ciliary complex subunit 2; minus strand), LOC126806962 (BRD4-independent group 4 enhancer GRCh37_chr4:5666069-5667268; plus strand). Cytogenetic location: 4p16.2.
Variant type: single nucleotide variant.
Coding change: c.983G>A on transcript NM_147127.5 (MANE Select); coding-DNA position 983, G replaced by A.
Protein change: p.Gly328Glu; replaces glycine 328 with glutamic acid.
Molecular consequence: missense variant.
Genome position (GRCh38, 1-based): chr4:5,665,537, C>T on the plus strand (G>A on the coding strand, the complement: EVC2 is on the minus strand). VCF-style: chr4-5665537-C-T. GRCh37 (hg19) VCF-style: chr4-5667264-C-T.
Other names: c.743G>A, p.Gly248Glu (NM_001166136.2); short protein forms G248E, G328E.
Identifiers: ClinVar variation 904088 (VCV000904088.13), dbSNP rs370838180, ClinGen allele CA2835207.